The following is an entry in ClinVar:

NM_020975.6(RET):c.2284+46G>C

Gene: RET (ret proto-oncogene; plus strand). Cytogenetic location: 10q11.21.
Variant type: single nucleotide variant.
Coding change: c.2284+46G>C on transcript NM_020975.6 (MANE Select); 46 bases into the intron after coding-DNA position 2284, G replaced by C.
Molecular consequence: intron variant.
Genome position (GRCh38, 1-based): chr10:43,116,777, G>C. VCF-style: chr10-43116777-G-C. GRCh37 (hg19) VCF-style: chr10-43612225-G-C.
Other names: c.2284+46G>C (NM_020630.7, NM_001406743.1, NM_001406744.1 and 2 more transcripts); c.2149+46G>C (NM_001406765.1, NM_001406763.1); c.1888+46G>C (NM_001406772.1, NM_001406769.1); c.1846+46G>C (NM_001406773.1, NM_001406771.1); c.1387+46G>C (NM_001406782.1, NM_001406780.1, NM_001406779.1 and 1 more transcripts); c.1252+46G>C (NM_001406787.1); c.1267+46G>C (NM_001406785.1); c.2155+46G>C (NM_001406764.1, NM_001406762.1, NM_001406761.1); and 10 more.
Identifiers: ClinVar variation 1201147 (VCV001201147.29), dbSNP rs147601354, ClinGen allele CA038200.

ClinVar aggregate classification (germline): Benign/Likely benign. Review status: criteria provided, multiple submitters, no conflicts (2 of 4 stars). 2 submissions from 2 submitters: Benign (1); Likely benign (1). Last evaluated 2026-01-01.

Allele frequency attached by ClinVar (database versions not stated): gnomAD 0.00393 and 0.00420; ESP Exome Variant Server 0.00423; 1000 Genomes Project 0.00439; TOPMed 0.00467; 1000 Genomes Project 30x 0.00484.
gnomAD v4.1: 1,360 of 1,155,750 alleles (0.12%); highest among the groups gnomAD compares: African/African-American, 1.4%; 11 homozygotes.

Submissions (2):

CeGaT Center for Human Genetics Tuebingen
Classification: Benign. Last evaluated: 2026-01-01. Review status: criteria provided, single submitter. Criteria: CeGaT Center For Human Genetics Tuebingen Variant Classification Criteria Version 2. Collection method: clinical testing. Allele origin: germline. Affected: yes. Observed: 7 variant alleles.
Comment: RET: BS1, BS2

GeneDx
Classification: Likely benign. Last evaluated: 2018-07-20. Review status: criteria provided, single submitter. Criteria: GeneDx Variant Classification Process June 2021. Collection method: clinical testing. Allele origin: germline. Affected: yes.